The following is an entry in ClinVar:

ClinVar aggregate classification (germline): Pathogenic (1 of 4 stars; one submission).

Submission:

Labcorp Genetics (formerly Invitae), Labcorp
Classification: Pathogenic. Last evaluated: 2023-01-15. Review status: criteria provided, single submitter. Criteria: Invitae Variant Classification Sherloc (09022015). Collection method: clinical testing. Allele origin: germline.
Comment: For these reasons, this variant has been classified as Pathogenic. This premature translational stop signal has been observed in individual(s) with congenital nephrogenic diabetes insipidus (PMID: 9402087). This variant is not present in population databases (gnomAD no frequency). This sequence change creates a premature translational stop signal (p.Trp193*) in the AVPR2 gene. It is expected to result in an absent or disrupted protein product. Loss-of-function variants in AVPR2 are known to be pathogenic (PMID: 8037205, 10820168).

Literature cited by the submitters: PubMed 9402087; PubMed 8037205; PubMed 10820168.

NM_000054.7(AVPR2):c.578G>A (p.Trp193Ter)

Gene: AVPR2 (arginine vasopressin receptor 2; plus strand). Cytogenetic location: Xq28.
Variant type: single nucleotide variant.
Coding change: c.578G>A on transcript NM_000054.7 (MANE Select); coding-DNA position 578, G replaced by A.
Protein change: p.Trp193Ter; replaces tryptophan 193 with a stop codon.
Molecular consequence: nonsense. On other transcripts: non-coding transcript variant (1).
Genome position (GRCh38, 1-based): chrX:153,906,084, G>A. VCF-style: chrX-153906084-G-A. GRCh37 (hg19) VCF-style: chrX-153171538-G-A.
Other names: c.578G>A, p.Trp193Ter (NM_001146151.3); short protein forms W193*.
Identifiers: ClinVar variation 2737427 (VCV002737427.3), dbSNP rs2521156756, ClinGen allele CA415107300.
Genomic context (GRCh38, chrX:153,906,084, plus strand): 5'-CCCAGCTCTTCATCTTCGCCCAGCGCAACGTGGAAGGTGGCAGCGGGGTCACTGACTGCT[G>A]GGCCTGCTTTGCGGAGCCCTGGGGCCGTCGCACCTATGTCACCTGGATTGCCCTGATGGT-3'